The following is an entry in ClinVar:

ClinVar aggregate classification (germline): Benign/Likely benign. Review status: criteria provided, multiple submitters, no conflicts (2 of 4 stars). 5 submissions from 5 submitters: Benign (4); Likely benign (1). Last evaluated 2026-02-02.

Allele frequency attached by ClinVar (database versions not stated): 1000 Genomes Project 30x 0.01359; TOPMed 0.01956; gnomAD 0.02016 and 0.02018; ESP Exome Variant Server 0.02253; gnomAD exomes 0.02323 and 0.02638; ExAC 0.02358; 1000 Genomes Project 0.01338.
gnomAD v4.1: 41,496 of 1,613,072 alleles (2.6%); highest among the groups gnomAD compares: Middle Eastern, 5.3%; 689 homozygotes.

Submissions (5):

Labcorp Genetics (formerly Invitae), Labcorp
Classification: Benign. Last evaluated: 2026-02-02. Review status: criteria provided, single submitter. Criteria: Invitae Variant Classification Sherloc (09022015). Collection method: clinical testing. Allele origin: germline.

Blueprint Genetics
Classification: Likely benign. Last evaluated: 2024-11-28. Review status: criteria provided, single submitter. Criteria: ACMG Guidelines, 2015. Collection method: clinical testing. Allele origin: germline.

Mayo Clinic Laboratories, Mayo Clinic
Classification: Benign. Last evaluated: 2023-07-07. Review status: criteria provided, single submitter. Criteria: ACMG Guidelines, 2015. Collection method: clinical testing. Allele origin: germline. Observed: 16 variant alleles.
Comment: BS1, BS2

Laboratory for Molecular Medicine, Mass General Brigham Personalized Medicine
Classification: Benign. Last evaluated: 2016-03-28. Review status: criteria provided, single submitter. Criteria: LMM Criteria. Collection method: clinical testing. Allele origin: germline.
Comment: Variant identified in a genome or exome case(s) and assessed due to predicted null impact of the variant or pathogenic assertions in the literature or databases. Disclaimer: This variant has not undergone full assessment. The following are preliminary notes: Candidate PCD gene, but frequency is high

Breakthrough Genomics
Classification: Benign. Review status: criteria provided, single submitter. Criteria: ACMG Guidelines, 2015. Collection method: not provided. Allele origin: germline. Inheritance: Autosomal recessive inheritance. Affected: yes.

NM_001372.4(DNAH9):c.1810A>G (p.Met604Val)

Gene: DNAH9 (dynein axonemal heavy chain 9; plus strand). Cytogenetic location: 17p12.
Variant type: single nucleotide variant.
Coding change: c.1810A>G on transcript NM_001372.4 (MANE Select); coding-DNA position 1810, A replaced by G.
Protein change: p.Met604Val; replaces methionine 604 with valine.
Molecular consequence: missense variant.
Genome position (GRCh38, 1-based): chr17:11,640,293, A>G. VCF-style: chr17-11640293-A-G. GRCh37 (hg19) VCF-style: chr17-11543610-A-G.
Other names: short protein forms M604V.
Identifiers: ClinVar variation 402775 (VCV000402775.15), dbSNP rs61740059, ClinGen allele CA8394987.